The following is an entry in ClinVar:

ClinVar aggregate classification (germline): Pathogenic/Likely pathogenic. Review status: criteria provided, multiple submitters, no conflicts (2 of 4 stars). 5 submissions from 5 submitters: Pathogenic (2); Likely pathogenic (3). Last evaluated 2025-08-26.

Conditions:
Retinitis pigmentosa 25 (RP25). Identifiers: Orphanet 791, MedGen C1864446, MONDO:0011272, OMIM 602772.

Submissions (5):

Myriad Genetics, Inc.
Classification: Pathogenic for Retinitis pigmentosa 25. Last evaluated: 2025-08-26. Review status: criteria provided, single submitter. Criteria: Myriad Autosomal Dominant, Autosomal Recessive and X-Linked Classification Criteria (2023). Collection method: clinical testing. Allele origin: unknown.
Comment: NM_001142800.1(EYS):c.3349dupA(S1117Kfs*3) is a frameshift variant classified as pathogenic in the context of retinitis pigmentosa, EYS-related. S1117Kfs*3 has not been observed in cases with relevant disease. Relevant functional assessments of this variant are not available in the literature. S1117Kfs*3 has not been observed in referenced population frequency databases. In summary, NM_001142800.1(EYS):c.3349dupA(S1117Kfs*3) is a frameshift variant in a gene where loss of function is a known mechanism of disease and is predicted to disrupt protein function. Please note: this variant was assessed in the context of healthy population screening.

Fulgent Genetics
Classification: Likely pathogenic for Retinitis pigmentosa 25. Last evaluated: 2024-02-27. Review status: criteria provided, single submitter. Criteria: ACMG Guidelines, 2015. Collection method: clinical testing. Allele origin: germline.

Labcorp Genetics (formerly Invitae), Labcorp
Classification: Pathogenic. Last evaluated: 2023-10-04. Review status: criteria provided, single submitter. Criteria: Invitae Variant Classification Sherloc (09022015). Collection method: clinical testing. Allele origin: germline.
Comment: This sequence change creates a premature translational stop signal (p.Ser1117Lysfs*3) in the EYS gene. It is expected to result in an absent or disrupted protein product. Loss-of-function variants in EYS are known to be pathogenic (PMID: 18836446, 20333770). This variant is not present in population databases (gnomAD no frequency). This variant has not been reported in the literature in individuals affected with EYS-related conditions. ClinVar contains an entry for this variant (Variation ID: 1919174). For these reasons, this variant has been classified as Pathogenic.

Laboratory of Medical Genetics, National & Kapodistrian University of Athens
Classification: Likely pathogenic for Retinitis pigmentosa 25. Last evaluated: 2023-05-17. Review status: criteria provided, single submitter. Criteria: ACMG Guidelines, 2015. Collection method: clinical testing. Allele origin: germline. Affected: yes.
Comment: PVS1, PM2 - It is expected to result in an absent or disrupted protein product. Loss-of-function variants in EYS are known to be pathogenic (PMID: 18836446)

Baylor Genetics
Classification: Likely pathogenic for Retinitis pigmentosa 25. Last evaluated: 2023-04-26. Review status: criteria provided, single submitter. Criteria: ACMG Guidelines, 2015. Collection method: clinical testing. Allele origin: unknown.

Literature cited by the submitters: PubMed 18836446 (cited by Labcorp Genetics (formerly Invitae), Labcorp); PubMed 20333770 (cited by Labcorp Genetics (formerly Invitae), Labcorp).

NM_001142800.2(EYS):c.3349dup (p.Ser1117fs)

Gene: EYS (EGF-like photoreceptor maintenance factor; minus strand). Cytogenetic location: 6q12.
Variant type: Duplication.
Coding change: c.3349dup on transcript NM_001142800.2 (MANE Select); coding-DNA position 3349, one base duplicated (A; older notation c.3349dupA).
Protein change: p.Ser1117fs; shifts the reading frame from serine 1117.
Molecular consequence: frameshift variant.
Genome position (GRCh38, 1-based): chr6:64,813,472, T duplicated on the plus strand (A on the coding strand, the reverse complement: EYS is on the minus strand); the first of 6 consecutive T bases (chr6:64,813,472-64,813,477); duplicating any one gives the same sequence. VCF-style (leftmost placement, unchanged base first): chr6-64813471-C-CT. GRCh37 (hg19) VCF-style: chr6-65523364-C-CT.
Other names: c.3349dup, p.Ser1117fs (NM_001292009.2); short protein forms S1117fs.
Identifiers: ClinVar variation 1919174 (VCV001919174.9), dbSNP rs1370598098, ClinGen allele CA567767065.